The following is an entry in ClinVar:

NM_002439.5(MSH3):c.1340+3A>G

Gene: MSH3 (mutS homolog 3; plus strand). Cytogenetic location: 5q14.1.
Variant type: single nucleotide variant.
Coding change: c.1340+3A>G on transcript NM_002439.5 (MANE Select); 3 bases into the intron after coding-DNA position 1340, A replaced by G.
Molecular consequence: intron variant.
Genome position (GRCh38, 1-based): chr5:80,679,096, A>G. VCF-style: chr5-80679096-A-G. GRCh37 (hg19) VCF-style: chr5-79974915-A-G.
Other names: c.1340+3A>G (NM_002439.3).
Identifiers: ClinVar variation 3708225 (VCV003708225.3).

ClinVar aggregate classification (germline): Uncertain significance. Review status: criteria provided, multiple submitters, no conflicts (2 of 4 stars). 2 submissions from 2 submitters: Uncertain significance (2). Last evaluated 2025-11-17.

Conditions:
Hereditary cancer-predisposing syndrome. Also called: Hereditary neoplastic syndrome; Neoplastic Syndromes, Hereditary; Hereditary Cancer Syndrome; Tumor predisposition. Identifiers: Orphanet 140162, MedGen C0027672, MeSH D009386, MONDO:0015356.

gnomAD v4.1: 1 of 1,613,880 alleles (0.000062%); highest among the groups gnomAD compares: Non-Finnish European, 0.000085%; no homozygotes.

Submissions (2):

Ambry Genetics
Classification: Uncertain significance for Hereditary cancer-predisposing syndrome. Last evaluated: 2025-11-17. Review status: criteria provided, single submitter. Criteria: Ambry Variant Classification Scheme 2023. Collection method: clinical testing. Allele origin: germline.
Comment: The c.1340+3A>G intronic variant results from an A to G substitution 3 nucleotides after coding exon 8 in the MSH3 gene. This nucleotide position is not well conserved in available vertebrate species. In silico splice site analysis predicts that this alteration will not have any significant effect on splicing. Based on the available evidence, the clinical significance of this variant remains unclear.

Labcorp Genetics (formerly Invitae), Labcorp
Classification: Uncertain significance. Last evaluated: 2024-04-29. Review status: criteria provided, single submitter. Criteria: Invitae Variant Classification Sherloc (09022015). Collection method: clinical testing. Allele origin: germline.
Comment: This sequence change falls in intron 8 of the MSH3 gene. It does not directly change the encoded amino acid sequence of the MSH3 protein. It affects a nucleotide within the consensus splice site. This variant is present in population databases (rs756425587, gnomAD 0.0009%). This variant has not been reported in the literature in individuals affected with MSH3-related conditions. Variants that disrupt the consensus splice site are a relatively common cause of aberrant splicing (PMID: 17576681, 9536098). Algorithms developed to predict the effect of sequence changes on RNA splicing suggest that this variant is not likely to affect RNA splicing. In summary, the available evidence is currently insufficient to determine the role of this variant in disease. Therefore, it has been classified as a Variant of Uncertain Significance.

Literature cited by the submitters: PubMed 17576681 (cited by Labcorp Genetics (formerly Invitae), Labcorp); PubMed 9536098 (cited by Labcorp Genetics (formerly Invitae), Labcorp).